The following is an entry in ClinVar:

NM_006230.4(POLD2):c.502G>A (p.Asp168Asn)

Gene: POLD2 (DNA polymerase delta 2, accessory subunit; minus strand). Cytogenetic location: 7p13.
Variant type: single nucleotide variant.
Coding change: c.502G>A on transcript NM_006230.4 (MANE Select); coding-DNA position 502, G replaced by A.
Protein change: p.Asp168Asn; replaces aspartic acid 168 with asparagine.
Molecular consequence: missense variant.
Genome position (GRCh38, 1-based): chr7:44,117,212, C>T on the plus strand (G>A on the coding strand, the complement: POLD2 is on the minus strand). VCF-style: chr7-44117212-C-T. GRCh37 (hg19) VCF-style: chr7-44156811-C-T.
Other names: c.502G>A, p.Asp168Asn (NM_001127218.3, NM_001256879.2); short protein forms D168N.
Identifiers: ClinVar variation 3610132 (VCV003610132.2).

ClinVar aggregate classification (germline): Uncertain significance (1 of 4 stars; one submission).

gnomAD v4.1: 8 of 1,614,010 alleles (0.0005%); highest among the groups gnomAD compares: Admixed American, 0.0017%; no homozygotes.

Submission:

Labcorp Genetics (formerly Invitae), Labcorp
Classification: Uncertain significance. Last evaluated: 2024-07-17. Review status: criteria provided, single submitter. Criteria: Invitae Variant Classification Sherloc (09022015). Collection method: clinical testing. Allele origin: germline.
Comment: This sequence change replaces aspartic acid, which is acidic and polar, with asparagine, which is neutral and polar, at codon 203 of the POLD2 protein (p.Asp203Asn). This variant is not present in population databases (gnomAD no frequency). This variant has not been reported in the literature in individuals affected with POLD2-related conditions. Experimental studies and prediction algorithms are not available or were not evaluated, and the functional significance of this variant is currently unknown. In summary, the available evidence is currently insufficient to determine the role of this variant in disease. Therefore, it has been classified as a Variant of Uncertain Significance.